The following is an entry in ClinVar:

ClinVar aggregate classification (germline): Likely benign. Review status: criteria provided, multiple submitters, no conflicts (2 of 4 stars). 2 submissions from 2 submitters: Likely benign (2). Last evaluated 2025-11-01.

Allele frequency attached by ClinVar (database versions not stated): gnomAD exomes below 0.00001 and 0.00001.
gnomAD v4.1: 2 of 1,211,645 alleles (0.00017%); highest among the groups gnomAD compares: Admixed American, 0.0043%; no homozygotes.

Submissions (2):

CeGaT Center for Human Genetics Tuebingen
Classification: Likely benign. Last evaluated: 2025-11-01. Review status: criteria provided, single submitter. Criteria: CeGaT Center For Human Genetics Tuebingen Variant Classification Criteria Version 2. Collection method: clinical testing. Allele origin: germline. Affected: yes. Observed: 1 variant allele.
Comment: THOC2: BP4, BP7

Labcorp Genetics (formerly Invitae), Labcorp
Classification: Likely benign. Last evaluated: 2018-03-29. Review status: criteria provided, single submitter. Criteria: Invitae Variant Classification Sherloc (09022015). Collection method: clinical testing. Allele origin: germline.

NM_001081550.2(THOC2):c.2670T>C (p.Tyr890=)

Gene: THOC2 (THO complex subunit 2; minus strand). Cytogenetic location: Xq25.
Variant type: single nucleotide variant.
Coding change: c.2670T>C on transcript NM_001081550.2 (MANE Select); coding-DNA position 2670, T replaced by C.
Protein change: p.Tyr890=; no amino-acid change (tyrosine 890 retained).
Molecular consequence: synonymous variant.
Genome position (GRCh38, 1-based): chrX:123,627,780, A>G on the plus strand (T>C on the coding strand, the complement: THOC2 is on the minus strand). VCF-style: chrX-123627780-A-G. GRCh37 (hg19) VCF-style: chrX-122761631-A-G.
Identifiers: ClinVar variation 736698 (VCV000736698.9), dbSNP rs1383713265, ClinGen allele CA518440073.